The following is an entry in ClinVar:

ClinVar aggregate classification (germline): Uncertain significance. Review status: criteria provided, multiple submitters, no conflicts (2 of 4 stars). 3 submissions from 3 submitters: Uncertain significance (3). Last evaluated 2023-10-18.

Conditions:
Wiskott-Aldrich syndrome 2 (WAS2). Also called: WIPF1 DEFICIENCY. Identifiers: Orphanet 906, MedGen C3281001, MONDO:0013779, OMIM 614493.

Allele frequency attached by ClinVar (database versions not stated): TOPMed 0.00001.
gnomAD v4.1: 11 of 1,614,222 alleles (0.00068%); highest among the groups gnomAD compares: Non-Finnish European, 0.00093%; no homozygotes.

Submissions (3):

Labcorp Genetics (formerly Invitae), Labcorp
Classification: Uncertain significance for Wiskott-Aldrich syndrome 2. Last evaluated: 2023-10-18. Review status: criteria provided, single submitter. Criteria: Invitae Variant Classification Sherloc (09022015). Collection method: clinical testing. Allele origin: germline.
Comment: This sequence change replaces proline, which is neutral and non-polar, with leucine, which is neutral and non-polar, at codon 184 of the WIPF1 protein (p.Pro184Leu). This variant is present in population databases (rs752786667, gnomAD 0.002%). This variant has not been reported in the literature in individuals affected with WIPF1-related conditions. ClinVar contains an entry for this variant (Variation ID: 1675151). An algorithm developed to predict the effect of missense changes on protein structure and function (PolyPhen-2) suggests that this variant is likely to be disruptive. In summary, the available evidence is currently insufficient to determine the role of this variant in disease. Therefore, it has been classified as a Variant of Uncertain Significance.

Center for Genomics, Ann and Robert H. Lurie Children's Hospital of Chicago
Classification: Uncertain significance for Wiskott-Aldrich syndrome 2. Last evaluated: 2021-11-24. Review status: criteria provided, single submitter. Criteria: ACMG Guidelines, 2015. Collection method: clinical testing. Allele origin: germline.
Comment: WIPF1 NM_001077269.1 exon 5 p.Pro184Leu (c.551C>T): This variant has not been reported in the literature but is present in 0.004% (5/113560) of European alleles in the Genome Aggregation Database. Evolutionary conservation and computational predictive tools disagree on the variant's potential impact to the protein. In summary, data on this variant is insufficient for disease classification. Therefore, the clinical significance of this variant is uncertain.

Mayo Clinic Laboratories, Mayo Clinic
Classification: Uncertain significance. Last evaluated: 2021-06-16. Review status: criteria provided, single submitter. Criteria: ACMG Guidelines, 2015. Collection method: clinical testing. Allele origin: germline.

NM_001375834.1(WIPF1):c.551C>T (p.Pro184Leu)

Gene: WIPF1 (WAS/WASL interacting protein family member 1; minus strand). Cytogenetic location: 2q31.1.
Variant type: single nucleotide variant.
Coding change: c.551C>T on transcript NM_001375834.1 (MANE Select); coding-DNA position 551, C replaced by T.
Protein change: p.Pro184Leu; replaces proline 184 with leucine.
Molecular consequence: missense variant. On other transcripts: intron variant (1).
Genome position (GRCh38, 1-based): chr2:174,572,254, G>A on the plus strand (C>T on the coding strand, the complement: WIPF1 is on the minus strand). VCF-style: chr2-174572254-G-A. GRCh37 (hg19) VCF-style: chr2-175436982-G-A.
Other names: p.Pro184Leu; c.551C>T, p.Pro184Leu (NM_001077269.1, NM_001375832.1, NM_001375833.1 and 5 more transcripts); c.182-9C>T (NM_001375839.1); short protein forms P184L.
Identifiers: ClinVar variation 1675151 (VCV001675151.8), dbSNP rs752786667, ClinGen allele CA1974107.